The following is an entry in ClinVar:

ClinVar aggregate classification (germline): Uncertain significance (1 of 4 stars; one submission).

Conditions:
Myopathy, proximal, and ophthalmoplegia (CMYO6). Also called: MYOPATHY WITH CONGENITAL JOINT CONTRACTURES, OPHTHALMOPLEGIA, AND RIMMED VACUOLES; INCLUSION BODY MYOPATHY 3, AUTOSOMAL DOMINANT; CONGENITAL MYOPATHY 6 WITH OPHTHALMOPLEGIA. Identifiers: Orphanet 363677, Orphanet 79091, MedGen C1854106, MONDO:0011577, OMIM 605637.

Submission:

Labcorp Genetics (formerly Invitae), Labcorp
Classification: Uncertain significance for Myopathy, proximal, and ophthalmoplegia. Last evaluated: 2024-04-05. Review status: criteria provided, single submitter. Criteria: Invitae Variant Classification Sherloc (09022015). Collection method: clinical testing. Allele origin: germline.
Comment: This sequence change replaces threonine, which is neutral and polar, with serine, which is neutral and polar, at codon 1897 of the MYH2 protein (p.Thr1897Ser). This variant is present in population databases (no rsID available, gnomAD 0.007%). This variant has not been reported in the literature in individuals affected with MYH2-related conditions. ClinVar contains an entry for this variant (Variation ID: 1380868). Advanced modeling of protein sequence and biophysical properties (such as structural, functional, and spatial information, amino acid conservation, physicochemical variation, residue mobility, and thermodynamic stability) performed at Invitae indicates that this missense variant is not expected to disrupt MYH2 protein function with a negative predictive value of 80%. In summary, the available evidence is currently insufficient to determine the role of this variant in disease. Therefore, it has been classified as a Variant of Uncertain Significance.

NM_017534.6(MYH2):c.5690C>G (p.Thr1897Ser)

Genes: MYHAS (myosin heavy chain gene cluster antisense RNA; plus strand), MYH2 (myosin heavy chain 2; minus strand). Cytogenetic location: 17p13.1.
Variant type: single nucleotide variant.
Coding change: c.5690C>G on transcript NM_017534.6 (MANE Select); coding-DNA position 5690, C replaced by G.
Protein change: p.Thr1897Ser; replaces threonine 1897 with serine.
Molecular consequence: missense variant.
Genome position (GRCh38, 1-based): chr17:10,521,416, G>C on the plus strand (C>G on the coding strand, the complement: MYH2 is on the minus strand). VCF-style: chr17-10521416-G-C. GRCh37 (hg19) VCF-style: chr17-10424733-G-C.
Other names: c.5690C>G, p.Thr1897Ser (NM_001100112.2); short protein forms T1897S.
Identifiers: ClinVar variation 1380868 (VCV001380868.6), dbSNP rs1480289239, ClinGen allele CA398110795.